The following is an entry in ClinVar:

ClinVar aggregate classification (germline): Uncertain significance (1 of 4 stars; one submission).

Conditions:
Familial thoracic aortic aneurysm and aortic dissection (TAAD). Also called: Thoracic aortic aneurysms and dissections. Identifiers: Orphanet 91387, MedGen C4707243, MONDO:0019625.

Submission:

All of Us Research Program, National Institutes of Health
Classification: Uncertain significance for Familial thoracic aortic aneurysm and aortic dissection. Last evaluated: 2023-08-15. Review status: criteria provided, single submitter. Criteria: ACMG Guidelines, 2015. Collection method: clinical testing. Allele origin: germline. Inheritance: Autosomal dominant inheritance. Observed: 1 variant allele, 1 heterozygote.
Comment: This missense variant replaces glutamic acid with valine at codon 11 of the MYH11 protein. Computational prediction suggests that this variant may not impact protein structure and function (internally defined REVEL score threshold <= 0.5, PMID: 27666373). To our knowledge, functional studies have not been reported for this variant. This variant has not been reported in individuals affected with MYH11-related disorders in the literature. This variant has not been identified in the general population by the Genome Aggregation Database (gnomAD). The available evidence is insufficient to determine the role of this variant in disease conclusively. Therefore, this variant is classified as a Variant of Uncertain Significance.

This study involves interpretation of variants in research participants for the purpose of population health screening. Participant phenotype was not available at the time of variant classification. Additional details can be found in publication PMID: 35346344, PMCID: PMC8962531

NM_002474.3(MYH11):c.32A>T (p.Glu11Val)

Gene: MYH11 (myosin heavy chain 11; minus strand). Cytogenetic location: 16p13.11.
Variant type: single nucleotide variant.
Coding change: c.32A>T on transcript NM_002474.3 (MANE Select); coding-DNA position 32, A replaced by T.
Protein change: p.Glu11Val; replaces glutamic acid 11 with valine.
Molecular consequence: missense variant.
Genome position (GRCh38, 1-based): chr16:15,838,221, T>A on the plus strand (A>T on the coding strand, the complement: MYH11 is on the minus strand). VCF-style: chr16-15838221-T-A. GRCh37 (hg19) VCF-style: chr16-15932078-T-A.
Other names: c.32A>T, p.Glu11Val (NM_001040113.2, NM_001040114.2, NM_022844.3); short protein forms E11V.
Identifiers: ClinVar variation 3072861 (VCV003072861.1), dbSNP rs2507039048, ClinGen allele CA395199093.